The following is an entry in ClinVar:

NM_004937.3(CTNS):c.18_21del (p.Thr7fs)

Gene: CTNS (cystinosin, lysosomal cystine transporter; plus strand). Cytogenetic location: 17p13.2.
Variant type: Deletion.
Coding change: c.18_21del on transcript NM_004937.3 (MANE Select); coding-DNA positions 18 to 21, 4 bases deleted (GACT; older notation c.18_21delGACT).
Protein change: p.Thr7fs; shifts the reading frame from threonine 7.
Molecular consequence: frameshift variant. On other transcripts: 5 prime UTR variant (2), intron variant (2).
Genome position (GRCh38, 1-based): chr17:3,640,224-3,640,227, GACT deleted; deleting any 4 consecutive bases within chr17:3,640,222-3,640,227 gives the same sequence; the c. name uses the placement nearest the transcript's 3' end. VCF-style (leftmost placement, unchanged base first): chr17-3640221-GCTGA-G. GRCh37 (hg19) VCF-style: chr17-3543515-GCTGA-G.
Other names: c.18_21delGACT (NM_004937.3, NM_001031681.2); c.18_21del, p.Thr7fs (NM_001031681.3, NM_001374492.1); c.-339_-336del (NM_001374493.1); c.-260_-257del (NM_001374495.1); c.-381+2908_-381+2911del (NM_001374494.1); c.-296+2908_-296+2911del (NM_001374496.1); short protein forms T7fs.
Identifiers: ClinVar variation 188834 (VCV000188834.81), dbSNP rs786204501, ClinGen allele CA278471.

ClinVar aggregate classification (germline): Pathogenic. Review status: criteria provided, multiple submitters, no conflicts (2 of 4 stars). 22 submissions from 20 submitters: Pathogenic (17). 5 of the submissions do not count toward it. Last evaluated 2026-01-01.

Conditions:
Cystinosis. Also called: Cystine diathesis; Cystine storage disease; Cystinoses. Identifiers: Orphanet 213, MedGen C4316899, MONDO:0016239.
Inborn genetic diseases. Identifiers: MedGen C0950123, MeSH D030342.
Ocular cystinosis. Also called: Non-Nephropathic Cystinosis; Non-Nephropathic (Ocular) Cystinosis. Identifiers: Orphanet 213, Orphanet 411641, MedGen C2931013, MONDO:0009064, OMIM 219750.
Juvenile nephropathic cystinosis. Also called: Intermediate Cystinosis; Later-Onset (Juvenile) Cystinosis; CYSTINOSIS, LATE-ONSET JUVENILE OR ADOLESCENT NEPHROPATHIC TYPE. Identifiers: Orphanet 213, Orphanet 411634, MedGen C0268626, MONDO:0009066, OMIM 219900.
Infantile nephropathic cystinosis. Identifiers: Orphanet 411629, MedGen C3537440, MONDO:0018467.
CTNS-related disorder. Also called: CTNS-related condition.
Nephropathic cystinosis (CTNS). Also called: CYSTINOSIN, DEFECT OF; LYSOSOMAL CYSTINE TRANSPORT PROTEIN, DEFECT OF; Abderhalden Lignac Kaufmann disease; Abderhalden-Kaufmann-Lignac syndrome. Identifiers: Orphanet 213, Orphanet 411629, MedGen C2931187, MONDO:0100151, OMIM 219800.

Submissions 1 to 14 of 22:

CeGaT Center for Human Genetics Tuebingen
Classification: Pathogenic. Last evaluated: 2026-01-01. Review status: criteria provided, single submitter. Criteria: CeGaT Center For Human Genetics Tuebingen Variant Classification Criteria Version 2. Collection method: clinical testing. Allele origin: germline. Affected: yes. Observed: 6 variant alleles.
Comment: CTNS: PM3:Strong, PVS1:Strong, PM2

Natera, Inc.
Classification: Pathogenic for Cystinosis. Last evaluated: 2025-12-30. Review status: criteria provided, single submitter. Criteria: Natera Variant Classification Schema (03/2026). Collection method: clinical testing. Allele origin: germline.
Comment: The c.18_21delGACT variant in CTNS is a frameshift variant predicted to shift the reading frame beginning at codon 7 and leads to a stop codon 7 codons downstream. This variant is expected to result in nonsense mediated decay, truncation, or a dysfunctional protein product. This variant is rare in the general population with a frequency below the threshold expected for the associated phenotype(s). This variant has been observed in one or more individuals affected with the associated recessive disease, as either homozygous or compound heterozygous with a second variant (PMID: 19863563). Given the available evidence, this variant is classified as Pathogenic.

Variantyx, Inc.
Classification: Pathogenic for Nephropathic cystinosis. Last evaluated: 2025-12-17. Review status: criteria provided, single submitter. Criteria: Variantyx Assertion Criteria 2022. Collection method: clinical testing. Allele origin: germline. Inheritance: Autosomal recessive inheritance. Affected: no.
Comment: This is a frameshift variant in the CTNS gene (OMIM: 606272). Pathogenic variants in this gene have been associated with autosomal recessive nephropathic cystinosis. This variant results in early termination of the transcript; however, the use of an alternative initiation codon further downstream cannot be excluded, and a protein of altered length may be produced (PVS1_Moderate). It has been identified in the homozygous or compound heterozygous state in at least 15 individuals reported in the published literature (PMID: 28276207, 18752449, 21786142, 19863563, 28238446, 35006361, 30849045) (PM3). This variant has a 0.0165% maximum allele frequency in non-founder control populations (PM2). Based on the current evidence, this variant is classified as pathogenic for autosomal recessive nephropathic cystinosis.No other variant of clinical significance was identified in the CTNS gene.

Genetics Laboratory, Great Ormond Street Hospital NHS Foundation Trust, North Thames Genomic Laboratory Hub
Classification: Pathogenic for Cystinosis. Last evaluated: 2025-12-12. Review status: criteria provided, single submitter. Criteria: ACGS Best Practice Guidelines for Variant Classification in Rare Disease 2024 v1.2. Collection method: clinical testing. Allele origin: germline. Affected: yes.
Comment: PM2_moderate, PVS1_strong, PM3_strong, PP4_moderate

Labcorp Genetics (formerly Invitae), Labcorp
Classification: Pathogenic for Inborn genetic diseases; Ocular cystinosis; Juvenile nephropathic cystinosis. Last evaluated: 2025-09-03. Review status: criteria provided, single submitter. Criteria: Invitae Variant Classification Sherloc (09022015). Collection method: clinical testing. Allele origin: germline.
Comment: This sequence change creates a premature translational stop signal (p.Thr7Phefs*7) in the CTNS gene. It is expected to result in an absent or disrupted protein product. Loss-of-function variants in CTNS are known to be pathogenic (PMID: 9537412, 27102039). This variant is present in population databases (rs764835663, gnomAD 0.01%). This premature translational stop signal has been observed in individuals with nephropathic cystinosis (PMID: 9537412, 28276207). ClinVar contains an entry for this variant (Variation ID: 188834). For these reasons, this variant has been classified as Pathogenic.

GeneDx
Classification: Pathogenic. Last evaluated: 2025-06-17. Review status: criteria provided, single submitter. Criteria: GeneDx Variant Classification Process June 2021. Collection method: clinical testing. Allele origin: germline. Affected: yes.
Comment: Frameshift variant predicted to result in protein truncation or nonsense mediated decay in a gene for which loss of function is a known mechanism of disease; Not observed at significant frequency in large population cohorts (gnomAD); Also known as 357delGACT; This variant is associated with the following publications: (PMID: 28276207, 33532864, 28238446, 30849045, 31570786, 31589614, 35738466, 35571017, 35314707, 9537412, 32727395, 33822926, 12204010, 19863563, 21786142, 28649545, 23640116, 27102039, 27083281, 20301574, 34237326, 39205450, 35406673, 38525388, 31641587, 35498770, 34531199, 38535124, 9792862)

Fulgent Genetics
Classification: Pathogenic for Ocular cystinosis; Nephropathic cystinosis; Juvenile nephropathic cystinosis. Last evaluated: 2024-06-11. Review status: criteria provided, single submitter. Criteria: ACMG Guidelines, 2015. Collection method: clinical testing. Allele origin: germline.

Revvity Omics, Revvity
Classification: Pathogenic. Last evaluated: 2024-05-30. Review status: criteria provided, single submitter. Criteria: ACMG Guidelines, 2015. Collection method: clinical testing. Allele origin: germline.

Baylor Genetics
Classification: Pathogenic for Nephropathic cystinosis. Last evaluated: 2024-03-29. Review status: criteria provided, single submitter. Criteria: ACMG Guidelines, 2015. Collection method: clinical testing. Allele origin: unknown.

3billion
Classification: Pathogenic for Nephropathic cystinosis. Last evaluated: 2022-03-22. Review status: criteria provided, single submitter. Criteria: ACMG Guidelines, 2015. Collection method: clinical testing. Allele origin: germline. Affected: yes. Observed: 1 homozygote.
Comment: Frameshift: predicted to result in a loss or disruption of normal protein function through nonsense-mediated decay (NMD) or protein truncation. Multiple pathogenic variants are reported downstream of the variant. The variant has been reported at least twice as pathogenic/likely pathogenic with clinical assertions and evidence for the classification (ClinVar ID: VCV000188834, PMID:9537412). The variant is observed at an extremely low frequency in the gnomAD v2.1.1 dataset (total allele frequency: 0.0000594). Therefore, this variant is classified as pathogenic according to the recommendation of ACMG/AMP guideline.

Laboratory of Cyto-molecular Genetics, Department of Anatomy, All India Institute of Medical Sciences (AIIMS), New Delhi
Classification: Pathogenic for Infantile nephropathic cystinosis. Last evaluated: 2022-03-07. Review status: criteria provided, single submitter. Criteria: ACMG Guidelines, 2015. Collection method: clinical testing. Allele origin: germline. Affected: yes. Observed: 3 variant alleles.

Molecular Biology Laboratory, Fundació Puigvert
Classification: Pathogenic for Nephropathic cystinosis. Last evaluated: 2020-02-01. Review status: criteria provided, single submitter. Criteria: ACMG Guidelines, 2015. Collection method: research. Allele origin: germline. Affected: yes. Study: KidneyPanel_2020.

Women's Health and Genetics/Laboratory Corporation of America, LabCorp
Classification: Pathogenic for Cystinosis. Last evaluated: 2018-01-29. Review status: criteria provided, single submitter. Criteria: LabCorp Variant Classification Summary - May 2015. Collection method: clinical testing. Allele origin: germline.
Comment: Variant summary: CTNS c.18_21delGACT (p.Thr7PhefsX7) results in a premature termination codon, predicted to cause a truncation of the encoded protein or absence of the protein due to nonsense mediated decay, which are commonly known mechanisms for disease. Truncations downstream of this position have been classified as pathogenic by our laboratory (eg. c.646dupA/p.Thr216fsX12). The variant allele was found at a frequency of 5.4e-05 in 277224 control chromosomes. This frequency is not significantly higher than expected for a pathogenic variant in CTNS causing Cystinosis (5.4e-05 vs 0.0025). c.18_21delGACT has been reported in the literature in multiple individuals affected with Cystinosis. These data indicate that the variant is very likely to be associated with disease. To our knowledge, no experimental evidence demonstrating an impact on protein function has been reported. Two clinical diagnostic laboratories have submitted clinical-significance assessments for this variant to ClinVar after 2014 without evidence for independent evaluation. All laboratories classified the variant as pathogenic. Based on the evidence outlined above, the variant was classified as pathogenic.

Eurofins Ntd Llc (ga)
Classification: Pathogenic. Last evaluated: 2015-04-24. Review status: criteria provided, single submitter. Criteria: EGL Classification Definitions 2015. Collection method: clinical testing. Allele origin: germline.